The following is an entry in ClinVar:

ClinVar aggregate classification (germline): Uncertain significance. Review status: criteria provided, multiple submitters, no conflicts (2 of 4 stars). 2 submissions from 2 submitters: Uncertain significance (2). Last evaluated 2024-08-11.

Conditions:
Inborn genetic diseases. Identifiers: MedGen C0950123, MeSH D030342.

Submissions (2):

Labcorp Genetics (formerly Invitae), Labcorp
Classification: Uncertain significance. Last evaluated: 2024-08-11. Review status: criteria provided, single submitter. Criteria: Invitae Variant Classification Sherloc (09022015). Collection method: clinical testing. Allele origin: germline.
Comment: This sequence change replaces methionine, which is neutral and non-polar, with leucine, which is neutral and non-polar, at codon 1066 of the ANK1 protein (p.Met1066Leu). This variant is present in population databases (rs776430274, gnomAD 0.005%). This variant has not been reported in the literature in individuals affected with ANK1-related conditions. Advanced modeling of protein sequence and biophysical properties (such as structural, functional, and spatial information, amino acid conservation, physicochemical variation, residue mobility, and thermodynamic stability) performed at Invitae indicates that this missense variant is not expected to disrupt ANK1 protein function with a negative predictive value of 80%. In summary, the available evidence is currently insufficient to determine the role of this variant in disease. Therefore, it has been classified as a Variant of Uncertain Significance.

Ambry Genetics
Classification: Uncertain significance for Inborn genetic diseases. Last evaluated: 2024-05-21. Review status: criteria provided, single submitter. Criteria: Ambry Variant Classification Scheme 2023. Collection method: clinical testing. Allele origin: germline.

NM_000037.4(ANK1):c.3196A>T (p.Met1066Leu)

Gene: ANK1 (ankyrin 1; minus strand). Cytogenetic location: 8p11.21.
Variant type: single nucleotide variant.
Coding change: c.3196A>T on transcript NM_000037.4 (MANE Select); coding-DNA position 3196, A replaced by T.
Protein change: p.Met1066Leu; replaces methionine 1066 with leucine.
Molecular consequence: missense variant.
Genome position (GRCh38, 1-based): chr8:41,694,723, T>A on the plus strand (A>T on the coding strand, the complement: ANK1 is on the minus strand). VCF-style: chr8-41694723-T-A. GRCh37 (hg19) VCF-style: chr8-41552241-T-A.
Other names: c.3319A>T, p.Met1107Leu (NM_001142446.2); c.3196A>T, p.Met1066Leu (NM_020475.3, NM_020476.3, NM_020477.3); short protein forms M1066L, M1107L.
Identifiers: ClinVar variation 3294294 (VCV003294294.3).